The following is an entry in ClinVar:

NM_022041.4(GAN):c.322G>A (p.Ala108Thr)

Gene: GAN (gigaxonin; plus strand). Cytogenetic location: 16q23.2.
Variant type: single nucleotide variant.
Coding change: c.322G>A on transcript NM_022041.4 (MANE Select); coding-DNA position 322, G replaced by A.
Protein change: p.Ala108Thr; replaces alanine 108 with threonine.
Molecular consequence: missense variant. On other transcripts: 5 prime UTR variant (1).
Genome position (GRCh38, 1-based): chr16:81,354,444, G>A. VCF-style: chr16-81354444-G-A. GRCh37 (hg19) VCF-style: chr16-81388049-G-A.
Other names: c.-318G>A (NM_001377486.1); short protein forms A108T.
Identifiers: ClinVar variation 439752 (VCV000439752.14), dbSNP rs771660619, ClinGen allele CA8191347.

ClinVar aggregate classification (germline): Uncertain significance. Review status: criteria provided, multiple submitters, no conflicts (2 of 4 stars). 2 submissions from 2 submitters: Uncertain significance (2). Last evaluated 2024-11-04.

Conditions:
Giant axonal neuropathy 1 (GAN1). Also called: GIANT AXONAL NEUROPATHY 1, AUTOSOMAL RECESSIVE; GAN-Related Neurodegeneration. Identifiers: Orphanet 643, MedGen C1850386, MONDO:0009749, OMIM 256850.

Allele frequency attached by ClinVar (database versions not stated): ExAC 0.00001; TOPMed 0.00001.
gnomAD v4.1: 5 of 1,613,582 alleles (0.00031%); highest among the groups gnomAD compares: Admixed American, 0.0067%; no homozygotes.

Submissions (2):

Labcorp Genetics (formerly Invitae), Labcorp
Classification: Uncertain significance for Giant axonal neuropathy 1. Last evaluated: 2024-11-04. Review status: criteria provided, single submitter. Criteria: Invitae Variant Classification Sherloc (09022015). Collection method: clinical testing. Allele origin: germline.
Comment: This sequence change replaces alanine, which is neutral and non-polar, with threonine, which is neutral and polar, at codon 108 of the GAN protein (p.Ala108Thr). This variant is present in population databases (rs771660619, gnomAD 0.009%). This variant has not been reported in the literature in individuals affected with GAN-related conditions. ClinVar contains an entry for this variant (Variation ID: 439752). Invitae Evidence Modeling of protein sequence and biophysical properties (such as structural, functional, and spatial information, amino acid conservation, physicochemical variation, residue mobility, and thermodynamic stability) indicates that this missense variant is not expected to disrupt GAN protein function with a negative predictive value of 80%. In summary, the available evidence is currently insufficient to determine the role of this variant in disease. Therefore, it has been classified as a Variant of Uncertain Significance.

ARUP Laboratories, Molecular Genetics and Genomics, ARUP Laboratories
Classification: Uncertain significance. Last evaluated: 2017-01-30. Review status: criteria provided, single submitter. Criteria: ARUP Molecular Germline Variant Investigation Process. Collection method: clinical testing. Allele origin: germline.